The following is an entry in ClinVar:

ClinVar aggregate classification (germline): Benign/Likely benign. Review status: criteria provided, multiple submitters, no conflicts (2 of 4 stars). 3 submissions from 3 submitters: Benign (1); Likely benign (2). Last evaluated 2026-07-02.

Conditions:
Sessile serrated polyposis cancer syndrome (SSPCS). Identifiers: Orphanet 157798, MedGen C4310714, MONDO:0014919, OMIM 617108.

Allele frequency attached by ClinVar (database versions not stated): gnomAD exomes below 0.00001.
gnomAD v4.1: 1 of 1,614,166 alleles (0.000062%); highest among the groups gnomAD compares: Non-Finnish European, 0.000085%; no homozygotes.

Submissions (3):

Myriad Genetics, Inc.
Classification: Benign for Sessile serrated polyposis cancer syndrome. Last evaluated: 2026-07-02. Review status: criteria provided, single submitter. Criteria: Myriad Autosomal Dominant, Autosomal Recessive and X-Linked Classification Criteria (2023). Collection method: clinical testing. Allele origin: unknown.
Comment: This variant is considered benign. This variant is a silent/synonymous amino acid change and it is not expected to impact splicing.

Ambry Genetics
Classification: Likely benign. Last evaluated: 2026-04-06. Review status: criteria provided, single submitter. Criteria: Ambry Variant Classification Scheme 2023. Collection method: clinical testing. Allele origin: germline.

Labcorp Genetics (formerly Invitae), Labcorp
Classification: Likely benign. Last evaluated: 2023-08-02. Review status: criteria provided, single submitter. Criteria: Invitae Variant Classification Sherloc (09022015). Collection method: clinical testing. Allele origin: germline.

NM_017763.6(RNF43):c.2343G>A (p.Gln781=)

Gene: RNF43 (ring finger protein 43; minus strand). Cytogenetic location: 17q22.
Variant type: single nucleotide variant.
Coding change: c.2343G>A on transcript NM_017763.6 (MANE Select); coding-DNA position 2343, G replaced by A.
Protein change: p.Gln781=; no amino-acid change (glutamine 781 retained).
Molecular consequence: synonymous variant.
Genome position (GRCh38, 1-based): chr17:58,354,952, C>T on the plus strand (G>A on the coding strand, the complement: RNF43 is on the minus strand). VCF-style: chr17-58354952-C-T. GRCh37 (hg19) VCF-style: chr17-56432313-C-T.
Other names: c.2343G>A, p.Gln781= (NM_001305544.3); c.1962G>A, p.Gln654= (NM_001305545.2); c.2343G>A (NM_017763.4).
Identifiers: ClinVar variation 2990750 (VCV002990750.5), dbSNP rs2509328025, ClinGen allele CA501059869.